The following is an entry in ClinVar:

NM_000165.5(GJA1):c.1108C>T (p.Arg370Cys)

Gene: GJA1 (gap junction protein alpha 1; plus strand). Cytogenetic location: 6q22.31.
Variant type: single nucleotide variant.
Coding change: c.1108C>T on transcript NM_000165.5 (MANE Select); coding-DNA position 1108, C replaced by T.
Protein change: p.Arg370Cys; replaces arginine 370 with cysteine.
Molecular consequence: missense variant.
Genome position (GRCh38, 1-based): chr6:121,447,955, C>T. VCF-style: chr6-121447955-C-T. GRCh37 (hg19) VCF-style: chr6-121769101-C-T.
Other names: c.1108C>T (NM_000165.3); short protein forms R370C.
Identifiers: ClinVar variation 1484710 (VCV001484710.8), dbSNP rs994770541, ClinGen allele CA146810045.
Genomic context (GRCh38, chr6:121,447,955, plus strand): 5'-GGACATGAATTACAGCCACTAGCCATTGTGGACCAGCGACCTTCAAGCAGAGCCAGCAGT[C>T]GTGCCAGCAGCAGACCTCGGCCTGATGACCTGGAGATCTAGATACAGGCTTGAAAGCATC-3'
Protein context (NP_000156.1, residues 360-380): DQRPSSRASS[Arg370Cys]ASSRPRPDDL

ClinVar aggregate classification (germline): Uncertain significance. Review status: criteria provided, multiple submitters, no conflicts (2 of 4 stars). 2 submissions from 2 submitters: Uncertain significance (2). Last evaluated 2025-12-08.

Conditions:
Oculodentodigital dysplasia, autosomal recessive. Also called: OCULODENTOOSSEOUS DYSPLASIA, AUTOSOMAL RECESSIVE; ODDD, AUTOSOMAL RECESSIVE; ODOD, AUTOSOMAL RECESSIVE. Identifiers: Orphanet 2710, MedGen C2749477, MONDO:0009768, OMIM 257850.

Allele frequency attached by ClinVar (database versions not stated): gnomAD exomes 0.00001; TOPMed 0.00003; gnomAD 0.00001 and 0.00003.
gnomAD v4.1: 18 of 1,613,706 alleles (0.0011%); highest among the groups gnomAD compares: Admixed American, 0.0017%; no homozygotes.

Submissions (2):

Labcorp Genetics (formerly Invitae), Labcorp
Classification: Uncertain significance for Oculodentodigital dysplasia, autosomal recessive. Last evaluated: 2025-12-08. Review status: criteria provided, single submitter. Criteria: Invitae Variant Classification Sherloc (09022015). Collection method: clinical testing. Allele origin: germline.
Comment: This sequence change replaces arginine, which is basic and polar, with cysteine, which is neutral and slightly polar, at codon 370 of the GJA1 protein (p.Arg370Cys). This variant is present in population databases (no rsID available, gnomAD 0.003%). This variant has not been reported in the literature in individuals affected with GJA1-related conditions. ClinVar contains an entry for this variant (Variation ID: 1484710). Invitae Evidence Modeling of protein sequence and biophysical properties (such as structural, functional, and spatial information, amino acid conservation, physicochemical variation, residue mobility, and thermodynamic stability) has been performed for this missense variant. However, the output from this modeling did not meet the statistical confidence thresholds required to predict the impact of this variant on GJA1 protein function. In summary, the available evidence is currently insufficient to determine the role of this variant in disease. Therefore, it has been classified as a Variant of Uncertain Significance.

GeneDx
Classification: Uncertain significance. Last evaluated: 2025-05-19. Review status: criteria provided, single submitter. Criteria: GeneDx Variant Classification Process June 2021. Collection method: clinical testing. Allele origin: germline.
Comment: In silico analysis suggests that this missense variant does not alter protein structure/function; Has not been previously published as pathogenic or benign to our knowledge